The following is an entry in ClinVar:

ClinVar aggregate classification (germline): Uncertain significance. Review status: criteria provided, multiple submitters, no conflicts (2 of 4 stars). 2 submissions from 2 submitters: Uncertain significance (2). Last evaluated 2025-10-07.

Conditions:
Inborn genetic diseases. Identifiers: MedGen C0950123, MeSH D030342.
Charcot-Marie-Tooth disease axonal type 2P. Also called: CHARCOT-MARIE-TOOTH NEUROPATHY, TYPE 2P; CHARCOT-MARIE-TOOTH DISEASE, AXONAL, TYPE 2G; CMT 2G; Charcot-Marie-Tooth Neuropathy Type 2G. Identifiers: Orphanet 300319, Orphanet 99941, MedGen C3280797, MONDO:0013753, OMIM 614436.

Allele frequency attached by ClinVar (database versions not stated): ExAC 0.00001; TOPMed 0.00001; gnomAD exomes 0.00002.

Submissions (2):

Ambry Genetics
Classification: Uncertain significance for Inborn genetic diseases. Last evaluated: 2025-10-07. Review status: criteria provided, single submitter. Criteria: Ambry Variant Classification Scheme 2023. Collection method: clinical testing. Allele origin: germline.

Labcorp Genetics (formerly Invitae), Labcorp
Classification: Uncertain significance for Charcot-Marie-Tooth disease axonal type 2P. Last evaluated: 2024-09-21. Review status: criteria provided, single submitter. Criteria: Invitae Variant Classification Sherloc (09022015). Collection method: clinical testing. Allele origin: germline.
Comment: This sequence change replaces arginine, which is basic and polar, with tryptophan, which is neutral and slightly polar, at codon 279 of the LRSAM1 protein (p.Arg279Trp). This variant is present in population databases (rs766288153, gnomAD 0.006%). This variant has not been reported in the literature in individuals affected with LRSAM1-related conditions. ClinVar contains an entry for this variant (Variation ID: 1375299). Invitae Evidence Modeling of protein sequence and biophysical properties (such as structural, functional, and spatial information, amino acid conservation, physicochemical variation, residue mobility, and thermodynamic stability) indicates that this missense variant is expected to disrupt LRSAM1 protein function with a positive predictive value of 80%. In summary, the available evidence is currently insufficient to determine the role of this variant in disease. Therefore, it has been classified as a Variant of Uncertain Significance.

NM_001005373.4(LRSAM1):c.835C>T (p.Arg279Trp)

Gene: LRSAM1 (leucine rich repeat and sterile alpha motif containing 1; plus strand). Cytogenetic location: 9q33.3.
Variant type: single nucleotide variant.
Coding change: c.835C>T on transcript NM_001005373.4 (MANE Select); coding-DNA position 835, C replaced by T.
Protein change: p.Arg279Trp; replaces arginine 279 with tryptophan.
Molecular consequence: missense variant. On other transcripts: non-coding transcript variant (2).
Genome position (GRCh38, 1-based): chr9:127,479,437, C>T. VCF-style: chr9-127479437-C-T. GRCh37 (hg19) VCF-style: chr9-130241716-C-T.
Other names: c.835C>T, p.Arg279Trp (NM_001005374.4, NM_001190723.3, NM_001384142.1 and 2 more transcripts); c.46C>T, p.Arg16Trp (NM_001384144.1); short protein forms R16W, R279W.
Identifiers: ClinVar variation 1375299 (VCV001375299.11), dbSNP rs766288153, ClinGen allele CA5246722.